The following is an entry in ClinVar:

NM_006939.4(SOS2):c.2986G>A (p.Gly996Arg)

Gene: SOS2 (SOS Ras/Rho guanine nucleotide exchange factor 2; minus strand). Cytogenetic location: 14q21.3.
Variant type: single nucleotide variant.
Coding change: c.2986G>A on transcript NM_006939.4 (MANE Select); coding-DNA position 2986, G replaced by A.
Protein change: p.Gly996Arg; replaces glycine 996 with arginine.
Molecular consequence: missense variant.
Genome position (GRCh38, 1-based): chr14:50,134,212, C>T on the plus strand (G>A on the coding strand, the complement: SOS2 is on the minus strand). VCF-style: chr14-50134212-C-T. GRCh37 (hg19) VCF-style: chr14-50600930-C-T.
Other names: short protein forms G996R.
Identifiers: ClinVar variation 954118 (VCV000954118.12), dbSNP rs780598157, ClinGen allele CA7176892.

ClinVar aggregate classification (germline): Uncertain significance. Review status: criteria provided, multiple submitters, no conflicts (2 of 4 stars). 3 submissions from 3 submitters: Uncertain significance (3). Last evaluated 2022-02-08.

Conditions:
Cardiovascular phenotype. Identifiers: MedGen CN230736.
Noonan syndrome 9 (NS9). Identifiers: Orphanet 648, MedGen C4225282, MONDO:0014691, OMIM 616559.

Allele frequency attached by ClinVar (database versions not stated): gnomAD exomes below 0.00001; ExAC 0.00001.
gnomAD v4.1: 2 of 1,595,926 alleles (0.00013%); highest among the groups gnomAD compares: Admixed American, 0.0017%; no homozygotes.

Submissions (3):

Ambry Genetics
Classification: Uncertain significance for Cardiovascular phenotype. Last evaluated: 2022-02-08. Review status: criteria provided, single submitter. Criteria: Ambry Variant Classification Scheme 2023. Collection method: clinical testing. Allele origin: germline.
Comment: The p.G996R variant (also known as c.2986G>A), located in coding exon 19 of the SOS2 gene, results from a G to A substitution at nucleotide position 2986. The glycine at codon 996 is replaced by arginine, an amino acid with dissimilar properties. This amino acid position is conserved. In addition, the in silico prediction for this alteration is inconclusive. Since supporting evidence is limited at this time, the clinical significance of this alteration remains unclear.

Labcorp Genetics (formerly Invitae), Labcorp
Classification: Uncertain significance for Noonan syndrome 9. Last evaluated: 2019-08-24. Review status: criteria provided, single submitter. Criteria: Invitae Variant Classification Sherloc (09022015). Collection method: clinical testing. Allele origin: germline.
Comment: This sequence change replaces glycine with arginine at codon 996 of the SOS2 protein (p.Gly996Arg). The glycine residue is moderately conserved and there is a moderate physicochemical difference between glycine and arginine. This variant has not been reported in the literature in individuals with SOS2-related conditions. Algorithms developed to predict the effect of missense changes on protein structure and function are either unavailable or do not agree on the potential impact of this missense change (SIFT: "Tolerated"; PolyPhen-2: "Possibly Damaging"; Align-GVGD: "Class C0"). In summary, the available evidence is currently insufficient to determine the role of this variant in disease. Therefore, it has been classified as a Variant of Uncertain Significance. This variant is present in population databases (rs780598157, ExAC 0.009%).

Genome-Nilou Lab
Classification: Uncertain significance for Noonan syndrome 9. Review status: criteria provided, single submitter. Criteria: ACMG Guidelines, 2015. Collection method: clinical testing. Allele origin: germline.